The following is an entry in ClinVar:

NM_001267550.2(TTN):c.105920T>C (p.Val35307Ala)

Genes: TTN (titin; minus strand), TTN-AS1 (TTN antisense RNA 1; plus strand), LOC129935183 (ATAC-STARR-seq lymphoblastoid active region 16808; plus strand). Cytogenetic location: 2q31.2.
Variant type: single nucleotide variant.
Coding change: c.105920T>C on transcript NM_001267550.2 (MANE Select); coding-DNA position 105920, T replaced by C.
Protein change: p.Val35307Ala; replaces valine 35307 with alanine.
Molecular consequence: missense variant.
Genome position (GRCh38, 1-based): chr2:178,530,695, A>G on the plus strand (T>C on the coding strand, the complement: TTN is on the minus strand). VCF-style: chr2-178530695-A-G. GRCh37 (hg19) VCF-style: chr2-179395422-A-G.
Other names: c.100997T>C, p.Val33666Ala (NM_001256850.1); c.78725T>C, p.Val26242Ala (NM_003319.4); c.98216T>C, p.Val32739Ala (NM_133378.4); c.79100T>C, p.Val26367Ala (NM_133432.3); c.79301T>C, p.Val26434Ala (NM_133437.4); short protein forms V35307A, V26367A, V32739A, V26242A, V26434A, V33666A.
Identifiers: ClinVar variation 466745 (VCV000466745.10), dbSNP rs780629996, ClinGen allele CA1985188.

ClinVar aggregate classification (germline): Conflicting classifications of pathogenicity. Review status: criteria provided, conflicting classifications (1 of 4 stars). 4 submissions from 4 submitters: Uncertain significance (1); Likely benign (2). 1 of the submissions does not count toward it. Last evaluated 2026-06-01.

Conditions:
TTN-related disorder. Also called: TTN-related disorders; TTN-related condition; TTN-related disease.
Dilated cardiomyopathy 1G (CMD1G). Identifiers: Orphanet 154, MedGen C1858763, MONDO:0011400, OMIM 604145.
Autosomal recessive limb-girdle muscular dystrophy type 2J (LGMDR10). Also called: Limb-girdle muscular dystrophy, type 2J; MUSCULAR DYSTROPHY, LIMB-GIRDLE, AUTOSOMAL RECESSIVE 10. Identifiers: Orphanet 140922, MedGen C1837342, MONDO:0012127, OMIM 608807.

Allele frequency attached by ClinVar (database versions not stated): ExAC 0.00002; gnomAD exomes 0.00004 and 0.00010; gnomAD 0.00018 and 0.00019; TOPMed 0.00022.
gnomAD v4.1: 84 of 1,613,798 alleles (0.0052%); highest among the groups gnomAD compares: Admixed American, 0.093%; no homozygotes.

Submissions (4):

CeGaT Center for Human Genetics Tuebingen
Classification: Likely benign. Last evaluated: 2026-06-01. Review status: criteria provided, single submitter. Criteria: CeGaT Center For Human Genetics Tuebingen Variant Classification Criteria Version 2. Collection method: clinical testing. Allele origin: germline. Affected: yes. Observed: 1 variant allele.
Comment: TTN: BP4

Labcorp Genetics (formerly Invitae), Labcorp
Classification: Uncertain significance for Dilated cardiomyopathy 1G; Autosomal recessive limb-girdle muscular dystrophy type 2J. Last evaluated: 2023-12-14. Review status: criteria provided, single submitter. Criteria: Invitae Variant Classification Sherloc (09022015). Collection method: clinical testing. Allele origin: germline.
Comment: This sequence change replaces valine, which is neutral and non-polar, with alanine, which is neutral and non-polar, at codon 35307 of the TTN protein (p.Val35307Ala). This variant is present in population databases (rs780629996, gnomAD 0.07%). This missense change has been observed in individual(s) with dilated cardiomyopathy (PMID: 30847666). This variant is also known as p.Val32739Ala. ClinVar contains an entry for this variant (Variation ID: 466745). Experimental studies and prediction algorithms are not available or were not evaluated, and the functional significance of this variant is currently unknown. This variant is located in the M band of TTN (PMID: 25589632). Non-truncating variants in this region may be relevant for neuromuscular disorders, but have not been definitively shown to cause cardiomyopathy (PMID: 23975875). In summary, the available evidence is currently insufficient to determine the role of this variant in disease. Therefore, it has been classified as a Variant of Uncertain Significance.

GeneDx
Classification: Likely benign. Last evaluated: 2018-05-14. Review status: criteria provided, single submitter. Criteria: GeneDx Variant Classification (06012015). Collection method: clinical testing. Allele origin: germline. Affected: yes.
Comment: This variant is considered likely benign or benign based on one or more of the following criteria: it is a conservative change, it occurs at a poorly conserved position in the protein, it is predicted to be benign by multiple in silico algorithms, and/or has population frequency not consistent with disease.

PreventionGenetics, part of Exact Sciences
Classification: Uncertain significance for TTN-related condition. Last evaluated: 2024-02-14. Review status: no assertion criteria provided. Collection method: clinical testing. Allele origin: germline. Not counted in ClinVar's aggregate classification.
Comment: The TTN c.105920T>C variant is predicted to result in the amino acid substitution p.Val35307Ala. This variant was reported in an individual with dilated cardiomyopathy; however, this individual also carried a TTN frameshift variant (described as p.Val32739Ala in transcript NM_133378 in online supplementary file 2, van Lint et al. 2019. PubMed ID: 30847666). This variant is reported in 0.061% of alleles in individuals of Latino descent in gnomAD. Although we suspect that this variant may be benign, at this time, the clinical significance of this variant is uncertain due to the absence of conclusive functional and genetic evidence.

Literature cited by the submitters: PubMed 30847666 (cited by Labcorp Genetics (formerly Invitae), Labcorp); PubMed 25589632 (cited by Labcorp Genetics (formerly Invitae), Labcorp); PubMed 23975875 (cited by Labcorp Genetics (formerly Invitae), Labcorp).